The following is an entry in ClinVar:

ClinVar aggregate classification (germline): Uncertain significance. Review status: criteria provided, multiple submitters, no conflicts (2 of 4 stars). 2 submissions from 2 submitters: Uncertain significance (2). Last evaluated 2025-05-21.

Conditions:
Hereditary cancer-predisposing syndrome. Also called: Tumor predisposition; Hereditary Cancer Syndrome; Hereditary neoplastic syndrome; Neoplastic Syndromes, Hereditary. Identifiers: Orphanet 140162, MedGen C0027672, MeSH D009386, MONDO:0015356.
Hereditary pheochromocytoma and paraganglioma. Also called: Hereditary paragangliomas and pheochromocytomas; Hereditary Paraganglioma-Pheochromocytoma Syndromes; Hereditary pheochromocytoma-paraganglioma. Identifiers: Orphanet 29072, MedGen C4274332, MONDO:0017366.

Submissions (2):

Ambry Genetics
Classification: Uncertain significance for Hereditary cancer-predisposing syndrome. Last evaluated: 2025-05-21. Review status: criteria provided, single submitter. Criteria: Ambry Variant Classification Scheme 2023. Collection method: clinical testing. Allele origin: germline.
Comment: The p.L51M variant (also known as c.151T>A), located in coding exon 2 of the SDHD gene, results from a T to A substitution at nucleotide position 151. The leucine at codon 51 is replaced by methionine, an amino acid with highly similar properties. This amino acid position is highly conserved in available vertebrate species. In addition, the in silico prediction for this alteration is inconclusive. Based on the available evidence, the clinical significance of this variant remains unclear.

All of Us Research Program, National Institutes of Health
Classification: Uncertain significance for Hereditary pheochromocytoma and paraganglioma. Last evaluated: 2023-03-23. Review status: criteria provided, single submitter. Criteria: ACMG Guidelines, 2015. Collection method: clinical testing. Allele origin: germline. Inheritance: Autosomal dominant inheritance. Observed: 1 variant allele, 1 heterozygote.
Comment: This missense variant replaces leucine with methionine at codon 51 of the SDHD protein. Computational prediction is inconclusive regarding the impact of this variant on protein structure and function (internally defined REVEL score threshold 0.5 < inconclusive < 0.7, PMID: 27666373). To our knowledge, functional studies have not been reported for this variant. This variant has not been reported in individuals affected with SDHD-related disorders in the literature. This variant has not been identified in the general population by the Genome Aggregation Database (gnomAD). The available evidence is insufficient to determine the role of this variant in disease conclusively. Therefore, this variant is classified as a Variant of Uncertain Significance.

This study involves interpretation of variants in research participants for the purpose of population health screening. Participant phenotype was not available at the time of variant classification. Additional details can be found in publication PMID: 35346344, PMCID: PMC8962531

NM_003002.4(SDHD):c.151T>A (p.Leu51Met)

Gene: SDHD (succinate dehydrogenase complex subunit D; plus strand). Cytogenetic location: 11q23.1.
Variant type: single nucleotide variant.
Coding change: c.151T>A on transcript NM_003002.4 (MANE Select); coding-DNA position 151, T replaced by A.
Protein change: p.Leu51Met; replaces leucine 51 with methionine.
Molecular consequence: missense variant. On other transcripts: non-coding transcript variant (1), intron variant (1).
Genome position (GRCh38, 1-based): chr11:112,087,955, T>A. VCF-style: chr11-112087955-T-A. GRCh37 (hg19) VCF-style: chr11-111958679-T-A.
Other names: c.151T>A, p.Leu51Met (NM_001276503.2, NM_001276506.2); c.53-912T>A (NM_001276504.2); short protein forms L51M.
Identifiers: ClinVar variation 1774406 (VCV001774406.4), dbSNP rs2498900324, ClinGen allele CA382617094.